The following is an entry in ClinVar:

ClinVar aggregate classification (germline): Uncertain significance (1 of 4 stars; one submission).

Allele frequency attached by ClinVar (database versions not stated): ExAC 0.00002.
gnomAD v4.1: 6 of 763,220 alleles (0.00079%); highest among the groups gnomAD compares: Admixed American, 0.0068%; no homozygotes.

Submission:

Labcorp Genetics (formerly Invitae), Labcorp
Classification: Uncertain significance. Last evaluated: 2022-04-28. Review status: criteria provided, single submitter. Criteria: Invitae Variant Classification Sherloc (09022015). Collection method: clinical testing. Allele origin: germline.
Comment: This variant occurs in the SNORD118 gene, which encodes an RNA molecule that does not result in a protein product. In summary, the available evidence is currently insufficient to determine the role of this variant in disease. Therefore, it has been classified as a Variant of Uncertain Significance. Experimental studies and prediction algorithms are not available or were not evaluated, and the functional significance of this variant is currently unknown. This variant has not been reported in the literature in individuals affected with SNORD118-related conditions. This variant is present in population databases (rs758058586, gnomAD 0.01%).

NR_033294.2(SNORD118):n.134A>C

Genes: SNORD118 (small nucleolar RNA, C/D box 118; minus strand), TMEM107 (transmembrane protein 107; minus strand). Cytogenetic location: 17p13.1.
Variant type: single nucleotide variant.
Molecular consequence: non-coding transcript variant (on NR_033294.2). On other transcripts: 3 prime UTR variant (5).
Genome position: GRCh38 VCF-style: chr17-8173455-T-G. GRCh37 (hg19) VCF-style: chr17-8076773-T-G.
Other names: c.*748A>C (NM_001351278.2, NM_001351279.2, NM_001351280.2 and 2 more transcripts).
Identifiers: ClinVar variation 1957522 (VCV001957522.5), dbSNP rs758058586, ClinGen allele CA8370565.